The following is an entry in ClinVar:

NM_000548.5(TSC2):c.1685C>T (p.Thr562Ile)

Gene: TSC2 (TSC complex subunit 2; plus strand). Cytogenetic location: 16p13.3.
Variant type: single nucleotide variant.
Coding change: c.1685C>T on transcript NM_000548.5 (MANE Select); coding-DNA position 1685, C replaced by T.
Protein change: p.Thr562Ile; replaces threonine 562 with isoleucine.
Molecular consequence: missense variant.
Genome position (GRCh38, 1-based): chr16:2,065,604, C>T. VCF-style: chr16-2065604-C-T. GRCh37 (hg19) VCF-style: chr16-2115605-C-T.
Other names: c.1685C>T, p.Thr562Ile (NM_001077183.3, NM_001114382.3, NM_001363528.2 and 3 more transcripts); c.1574C>T, p.Thr525Ile (NM_001318827.2); c.1538C>T, p.Thr513Ile (NM_001318829.2); c.1085C>T, p.Thr362Ile (NM_001318831.2); c.1718C>T, p.Thr573Ile (NM_001318832.2); short protein forms T362I, T573I, T513I, T562I, T525I.
Identifiers: ClinVar variation 819833 (VCV000819833.17), dbSNP rs1463643429, ClinGen allele CA394270539.
Genomic context (GRCh38, chr16:2,065,604, plus strand): 5'-CCCCGGAGCTGGAAGAAAGGGATGTGGCCGCATACTCGGCCTCCTTGGAGGATGTGAAGA[C>T]AGCCGTCCTGGGGCTTCTGGTCATCCTTCAGGTGGGTGTTCTGCACGAGGCCTCTGCTCC-3'
Protein context (NP_000539.2, residues 552-572): AYSASLEDVK[Thr562Ile]AVLGLLVILQ

ClinVar aggregate classification (germline): Conflicting classifications of pathogenicity. Review status: criteria provided, conflicting classifications (1 of 4 stars). 5 submissions from 5 submitters: Uncertain significance (4); Benign (1). Last evaluated 2026-01-19.

Conditions:
Tuberous sclerosis syndrome (TSC). Also called: Tuberous Sclerosis Complex; Tuberous sclerosis. Identifiers: Orphanet 805, MedGen C0041341, MONDO:0001734.
Tuberous sclerosis 2 (TSC2). Identifiers: Orphanet 805, MedGen C1860707, MONDO:0013199, OMIM 613254.
Hereditary cancer-predisposing syndrome. Also called: Hereditary Cancer Syndrome; Neoplastic Syndromes, Hereditary; Hereditary neoplastic syndrome; Tumor predisposition. Identifiers: Orphanet 140162, MedGen C0027672, MeSH D009386, MONDO:0015356.

Allele frequency attached by ClinVar (database versions not stated): gnomAD 0.00001; gnomAD exomes 0.00001; TOPMed 0.00002.
gnomAD v4.1: 5 of 1,613,678 alleles (0.00031%); highest among the groups gnomAD compares: Admixed American, 0.0067%; no homozygotes.

Submissions (5):

Labcorp Genetics (formerly Invitae), Labcorp
Classification: Benign for Tuberous sclerosis 2. Last evaluated: 2026-01-19. Review status: criteria provided, single submitter. Criteria: Invitae Variant Classification Sherloc (09022015). Collection method: clinical testing. Allele origin: germline.

GeneDx
Classification: Uncertain significance. Last evaluated: 2025-03-10. Review status: criteria provided, single submitter. Criteria: GeneDx Variant Classification Process June 2021. Collection method: clinical testing. Allele origin: germline. Affected: yes.
Comment: In silico analysis supports that this missense variant has a deleterious effect on protein structure/function; Has not been previously published as pathogenic or benign to our knowledge

All of Us Research Program, National Institutes of Health
Classification: Uncertain significance for Tuberous sclerosis syndrome. Last evaluated: 2023-06-26. Review status: criteria provided, single submitter. Criteria: ACMG Guidelines, 2015. Collection method: clinical testing. Allele origin: germline. Inheritance: Autosomal dominant inheritance. Observed: 1 variant allele, 1 heterozygote.
Comment: This missense variant replaces threonine with isoleucine at codon 562 of the TSC2 protein. Computational prediction is inconclusive regarding the impact of this variant on protein structure and function (internally defined REVEL score threshold 0.5 < inconclusive < 0.7, PMID: 27666373). To our knowledge, functional studies have not been reported for this variant. This variant has not been reported in individuals affected with tuberous sclerosis complex in the literature. This variant has been identified in 2/250742 chromosomes in the general population by the Genome Aggregation Database (gnomAD). The available evidence is insufficient to determine the role of this variant in disease conclusively. Therefore, this variant is classified as a Variant of Uncertain Significance.

This study involves interpretation of variants in research participants for the purpose of population health screening. Participant phenotype was not available at the time of variant classification. Additional details can be found in publication PMID: 35346344, PMCID: PMC8962531

Genome-Nilou Lab
Classification: Uncertain significance for Tuberous sclerosis 2. Last evaluated: 2021-11-07. Review status: criteria provided, single submitter. Criteria: ACMG Guidelines, 2015. Collection method: clinical testing. Allele origin: germline. Affected: no.

Ambry Genetics
Classification: Uncertain significance for Hereditary cancer-predisposing syndrome. Last evaluated: 2018-11-15. Review status: criteria provided, single submitter. Criteria: Ambry Variant Classification Scheme 2023. Collection method: clinical testing. Allele origin: germline.
Comment: The p.T562I variant (also known as c.1685C>T), located in coding exon 15 of the TSC2 gene, results from a C to T substitution at nucleotide position 1685. The threonine at codon 562 is replaced by isoleucine, an amino acid with similar properties. This amino acid position is highly conserved in available vertebrate species. In addition, this alteration is predicted to be deleterious by in silico analysis. Since supporting evidence is limited at this time, the clinical significance of this alteration remains unclear.